The following is an entry in ClinVar:

NM_007317.3(KIF22):c.1459A>G (p.Thr487Ala)

Gene: KIF22 (kinesin family member 22; plus strand). Cytogenetic location: 16p11.2.
Variant type: single nucleotide variant.
Coding change: c.1459A>G on transcript NM_007317.3 (MANE Select); coding-DNA position 1459, A replaced by G.
Protein change: p.Thr487Ala; replaces threonine 487 with alanine.
Molecular consequence: missense variant.
Genome position (GRCh38, 1-based): chr16:29,803,458, A>G. VCF-style: chr16-29803458-A-G. GRCh37 (hg19) VCF-style: chr16-29814779-A-G.
Other names: c.1255A>G, p.Thr419Ala (NM_001256269.2, NM_001256270.1); short protein forms T419A, T487A.
Identifiers: ClinVar variation 1901353 (VCV001901353.6), dbSNP rs765346437, ClinGen allele CA7993304.

ClinVar aggregate classification (germline): Uncertain significance. Review status: criteria provided, multiple submitters, no conflicts (2 of 4 stars). 2 submissions from 2 submitters: Uncertain significance (2). Last evaluated 2022-03-11.

Allele frequency attached by ClinVar (database versions not stated): ExAC 0.00002; gnomAD 0.00002; TOPMed 0.00002; gnomAD exomes 0.00001.
gnomAD v4.1: 9 of 1,614,034 alleles (0.00056%); highest among the groups gnomAD compares: Non-Finnish European, 0.00076%; no homozygotes.

Submissions (2):

Labcorp Genetics (formerly Invitae), Labcorp
Classification: Uncertain significance. Last evaluated: 2022-03-11. Review status: criteria provided, single submitter. Criteria: Invitae Variant Classification Sherloc (09022015). Collection method: clinical testing. Allele origin: germline.
Comment: In summary, the available evidence is currently insufficient to determine the role of this variant in disease. Therefore, it has been classified as a Variant of Uncertain Significance. Algorithms developed to predict the effect of missense changes on protein structure and function (SIFT, PolyPhen-2, Align-GVGD) all suggest that this variant is likely to be tolerated. This variant has not been reported in the literature in individuals affected with KIF22-related conditions. This variant is present in population databases (rs765346437, gnomAD 0.002%). This sequence change replaces threonine, which is neutral and polar, with alanine, which is neutral and non-polar, at codon 487 of the KIF22 protein (p.Thr487Ala).

Ambry Genetics
Classification: Uncertain significance. Last evaluated: 2021-09-16. Review status: criteria provided, single submitter. Criteria: Ambry Variant Classification Scheme 2023. Collection method: clinical testing. Allele origin: germline.